The following is an entry in ClinVar:

ClinVar aggregate classification (germline): Uncertain significance (1 of 4 stars; one submission).

gnomAD v4.1: 1 of 1,614,034 alleles (0.000062%); highest among the groups gnomAD compares: African/African-American, 0.0013%; no homozygotes.

Submission:

GeneDx
Classification: Uncertain significance. Last evaluated: 2025-07-10. Review status: criteria provided, single submitter. Criteria: GeneDx Variant Classification Process June 2021. Collection method: clinical testing. Allele origin: germline. Affected: yes.
Comment: Not observed at significant frequency in large population cohorts (gnomAD); In silico analysis supports that this missense variant has a deleterious effect on protein structure/function; Has not been previously published as pathogenic or benign to our knowledge

NM_001378454.1(ALMS1):c.11891C>T (p.Pro3964Leu)

Genes: ALMS1 (ALMS1 centrosome and basal body associated protein; plus strand), LOC126806252 (BRD4-independent group 4 enhancer GRCh37_chr2:73828496-73829695; plus strand). Cytogenetic location: 2p13.1.
Variant type: single nucleotide variant.
Coding change: c.11891C>T on transcript NM_001378454.1 (MANE Select); coding-DNA position 11891, C replaced by T.
Protein change: p.Pro3964Leu; replaces proline 3964 with leucine.
Molecular consequence: missense variant.
Genome position (GRCh38, 1-based): chr2:73,601,213, C>T. VCF-style: chr2-73601213-C-T. GRCh37 (hg19) VCF-style: chr2-73828340-C-T.
Other names: c.11894C>T, p.Pro3965Leu (NM_015120.4); short protein forms P3964L, P3965L.
Identifiers: ClinVar variation 4685171 (VCV004685171.1).